The following is an entry in ClinVar:

NM_001105206.3(LAMA4):c.4871A>G (p.Asn1624Ser)

Gene: LAMA4 (laminin subunit alpha 4; minus strand). Cytogenetic location: 6q21.
Variant type: single nucleotide variant.
Coding change: c.4871A>G on transcript NM_001105206.3 (MANE Select); coding-DNA position 4871, A replaced by G.
Protein change: p.Asn1624Ser; replaces asparagine 1624 with serine.
Molecular consequence: missense variant.
Genome position (GRCh38, 1-based): chr6:112,117,849, T>C on the plus strand (A>G on the coding strand, the complement: LAMA4 is on the minus strand). VCF-style: chr6-112117849-T-C. GRCh37 (hg19) VCF-style: chr6-112439052-T-C.
Other names: c.4850A>G, p.Asn1617Ser (NM_001105207.3, NM_002290.5); short protein forms N1617S, N1624S.
Identifiers: ClinVar variation 1516713 (VCV001516713.8), dbSNP rs1554324498, ClinGen allele CA365366656.
Genomic context (GRCh38, chr6:112,117,849, plus strand): 5'-GGGCCTTCAAAGCAAGGGGTCACACTGAATGTCTGAGAAGCAGAGGTGATGGAGGCCCCA[T>C]TGAGCTGGAGATTGCTGAGACAGCCACTAAAACTGTAGATGGAGTTAATCTGAGGGAAGA-3'
Protein context (NP_001098676.2, residues 1614-1634): FSGCLSNLQL[Asn1624Ser]GASITSASQT

ClinVar aggregate classification (germline): Uncertain significance. Review status: criteria provided, multiple submitters, no conflicts (2 of 4 stars). 2 submissions from 2 submitters: Uncertain significance (2). Last evaluated 2021-08-04.

Conditions:
Cardiovascular phenotype. Identifiers: MedGen CN230736.
Dilated cardiomyopathy 1JJ (CMD1JJ). Identifiers: Orphanet 154, MedGen C3808935, MONDO:0014095, OMIM 615235.

Allele frequency attached by ClinVar (database versions not stated): gnomAD exomes below 0.00001 and 0.00001.
gnomAD v4.1: 5 of 1,613,664 alleles (0.00031%); highest among the groups gnomAD compares: South Asian, 0.0022%; no homozygotes.

Submissions (2):

Labcorp Genetics (formerly Invitae), Labcorp
Classification: Uncertain significance for Dilated cardiomyopathy 1JJ. Last evaluated: 2021-08-04. Review status: criteria provided, single submitter. Criteria: Invitae Variant Classification Sherloc (09022015). Collection method: clinical testing. Allele origin: germline.
Comment: In summary, the available evidence is currently insufficient to determine the role of this variant in disease. Therefore, it has been classified as a Variant of Uncertain Significance. Algorithms developed to predict the effect of missense changes on protein structure and function are either unavailable or do not agree on the potential impact of this missense change (SIFT: "Deleterious"; PolyPhen-2: "Probably Damaging"; Align-GVGD: "Class C0"). This variant has not been reported in the literature in individuals affected with LAMA4-related conditions. This variant is not present in population databases (ExAC no frequency). This sequence change replaces asparagine with serine at codon 1617 of the LAMA4 protein (p.Asn1617Ser). The asparagine residue is highly conserved and there is a small physicochemical difference between asparagine and serine.

Ambry Genetics
Classification: Uncertain significance for Cardiovascular phenotype. Last evaluated: 2019-01-07. Review status: criteria provided, single submitter. Criteria: Ambry Variant Classification Scheme 2023. Collection method: clinical testing. Allele origin: germline.
Comment: The p.N1617S variant (also known as c.4850A>G), located in coding exon 34 of the LAMA4 gene, results from an A to G substitution at nucleotide position 4850. The asparagine at codon 1617 is replaced by serine, an amino acid with highly similar properties. This amino acid position is highly conserved in available vertebrate species. In addition, the in silico prediction for this alteration is inconclusive. Since supporting evidence is limited at this time, the clinical significance of this alteration remains unclear.